The following is an entry in ClinVar:

NM_007118.4(TRIO):c.873C>T (p.Ser291=)

Gene: TRIO (trio Rho guanine nucleotide exchange factor; plus strand). Cytogenetic location: 5p15.2.
Variant type: single nucleotide variant.
Coding change: c.873C>T on transcript NM_007118.4 (MANE Select); coding-DNA position 873, C replaced by T.
Protein change: p.Ser291=; no amino-acid change (serine 291 retained).
Molecular consequence: synonymous variant. On other transcripts: non-coding transcript variant (1).
Genome position (GRCh38, 1-based): chr5:14,291,048, C>T. VCF-style: chr5-14291048-C-T. GRCh37 (hg19) VCF-style: chr5-14291157-C-T.
Identifiers: ClinVar variation 3040791 (VCV003040791.8), dbSNP rs376595846, ClinGen allele CA3205509.

ClinVar aggregate classification (germline): Likely benign. Review status: criteria provided, single submitter (1 of 4 stars). 2 submissions from 2 submitters: Likely benign (1). 1 of the submissions does not count toward it. Last evaluated 2025-10-01.

Conditions:
TRIO-related disorder. Also called: TRIO-related condition; TRIO-related disorders.

Allele frequency attached by ClinVar (database versions not stated): gnomAD exomes 0.00002; ExAC 0.00006; gnomAD 0.00009; TOPMed 0.00012; ESP Exome Variant Server 0.00015.
gnomAD v4.1: 64 of 1,614,078 alleles (0.004%); highest among the groups gnomAD compares: African/African-American, 0.027%; no homozygotes.

Submissions (2):

CeGaT Center for Human Genetics Tuebingen
Classification: Likely benign. Last evaluated: 2025-10-01. Review status: criteria provided, single submitter. Criteria: CeGaT Center For Human Genetics Tuebingen Variant Classification Criteria Version 2. Collection method: clinical testing. Allele origin: germline. Affected: yes. Observed: 1 variant allele.
Comment: TRIO: BP4, BP7

PreventionGenetics, part of Exact Sciences
Classification: Likely benign for TRIO-related condition. Last evaluated: 2023-08-11. Review status: no assertion criteria provided. Collection method: clinical testing. Allele origin: germline. Not counted in ClinVar's aggregate classification.
Comment: This variant is classified as likely benign based on ACMG/AMP sequence variant interpretation guidelines (Richards et al. 2015 PMID: 25741868, with internal and published modifications).